The following is an entry in ClinVar:

ClinVar aggregate classification (germline): Uncertain significance (1 of 4 stars; one submission).

Conditions:
Inborn genetic diseases. Identifiers: MedGen C0950123, MeSH D030342.

Submission:

Ambry Genetics
Classification: Uncertain significance for Inborn genetic diseases. Last evaluated: 2024-03-18. Review status: criteria provided, single submitter. Criteria: Ambry Variant Classification Scheme 2023. Collection method: clinical testing. Allele origin: germline.
Comment: The p.E1714Q variant (also known as c.5140G>C), located in coding exon 35 of the LRRK2 gene, results from a G to C substitution at nucleotide position 5140. The glutamic acid at codon 1714 is replaced by glutamine, an amino acid with highly similar properties. This amino acid position is conserved. In addition, the in silico prediction for this alteration is inconclusive. Based on the available evidence, the clinical significance of this alteration remains unclear.

NM_198578.4(LRRK2):c.5140G>C (p.Glu1714Gln)

Gene: LRRK2 (leucine rich repeat kinase 2; plus strand). Cytogenetic location: 12q12.
Variant type: single nucleotide variant.
Coding change: c.5140G>C on transcript NM_198578.4 (MANE Select); coding-DNA position 5140, G replaced by C.
Protein change: p.Glu1714Gln; replaces glutamic acid 1714 with glutamine.
Molecular consequence: missense variant.
Genome position (GRCh38, 1-based): chr12:40,321,158, G>C. VCF-style: chr12-40321158-G-C. GRCh37 (hg19) VCF-style: chr12-40714960-G-C.
Other names: short protein forms E1714Q.
Identifiers: ClinVar variation 3291922 (VCV003291922.1).
Genomic context (GRCh38, chr12:40,321,158, plus strand): 5'-CTATATGAAATGCCTTATTTTCCAATGGGATTTTGGTCAAGATTAATCAATCGATTACTT[G>C]AGATTTCACCTTACATGCTTTCAGGGAGAGGTAAGTATCTAATGAAGACTTATTAGATTT-3'
Protein context (NP_940980.4, residues 1704-1724): FWSRLINRLL[Glu1714Gln]ISPYMLSGRE